The following is an entry in ClinVar:

ClinVar aggregate classification (germline): Uncertain significance (1 of 4 stars; one submission).

Submission:

Labcorp Genetics (formerly Invitae), Labcorp
Classification: Uncertain significance. Last evaluated: 2025-08-18. Review status: criteria provided, single submitter. Criteria: Invitae Variant Classification Sherloc (09022015). Collection method: clinical testing. Allele origin: germline.
Comment: This sequence change replaces cysteine, which is neutral and slightly polar, with arginine, which is basic and polar, at codon 227 of the RORB protein (p.Cys227Arg). This variant is not present in population databases (gnomAD no frequency). This variant has not been reported in the literature in individuals affected with RORB-related conditions. An algorithm developed to predict the effect of missense changes on protein structure and function (PolyPhen-2) suggests that this variant is likely to be disruptive. In summary, the available evidence is currently insufficient to determine the role of this variant in disease. Therefore, it has been classified as a Variant of Uncertain Significance.

NM_006914.4(RORB):c.679T>C (p.Cys227Arg)

Gene: RORB (RAR related orphan receptor B; plus strand). Cytogenetic location: 9q21.13.
Variant type: single nucleotide variant.
Coding change: c.679T>C on transcript NM_006914.4 (MANE Select); coding-DNA position 679, T replaced by C.
Protein change: p.Cys227Arg; replaces cysteine 227 with arginine.
Molecular consequence: missense variant.
Genome position (GRCh38, 1-based): chr9:74,660,658, T>C. VCF-style: chr9-74660658-T-C. GRCh37 (hg19) VCF-style: chr9-77275574-T-C.
Other names: c.712T>C, p.Cys238Arg (NM_001365023.1); short protein forms C227R, C238R.
Identifiers: ClinVar variation 4725581 (VCV004725581.1).